The following is an entry in ClinVar:

ClinVar aggregate classification (germline): Uncertain significance (1 of 4 stars; one submission).

Conditions:
Noonan syndrome 4 (NS4). Also called: SOS1-Related Noonan Syndrome; NOONAN SYNDROME WITH PIGMENTED VILLONODULAR SYNOVITIS. Identifiers: Orphanet 648, MedGen C1853120, MONDO:0012547, OMIM 610733.

Submission:

Genetics Department, Catlab
Classification: Uncertain significance for Noonan syndrome 4. Last evaluated: 2025-12-18. Review status: criteria provided, single submitter. Criteria: ACMG Guidelines, 2015. Collection method: clinical testing. Allele origin: germline. Affected: yes.
Comment: The c.1321_1323del variant is a non-frameshift change with deletes three amino acids of the protein in a non repeat region (PM4_moderate). The variant is absent from gnomAD v4.1 (AF=0.00001921) (PM2_moderate) and is located in a known functional domain (SOS_NGEF_PH) where several causal variants have been described (PM1_moderate). With all the available evidence, the variant is classified as of uncertain significance, according to the ClinGen RASopathy Expert Panel Specifications to the ACMG/AMP Variant Interpretation Guidelines for SOS1 Version 2.3.0.

NM_005633.4(SOS1):c.1318TGT[1] (p.Cys441del)

Gene: SOS1 (SOS Ras/Rac guanine nucleotide exchange factor 1; minus strand). Cytogenetic location: 2p22.1.
Variant type: Microsatellite.
Coding change: c.1318TGT[1] on transcript NM_005633.4 (MANE Select); one copy of the 3-base unit TGT starting at c.1318; the reference has two copies in a row; one copy, 3 bases deleted; also written c.1321_1323del.
Protein change: p.Cys441del; deletes cysteine 441.
Molecular consequence: inframe deletion. On other transcripts: inframe indel (2).
Genome position (GRCh38, 1-based): chr2:39,023,105-39,023,107, ACA deleted on the plus strand (TGT on the coding strand, the reverse complement: SOS1 is on the minus strand); deleting any 3 consecutive bases within chr2:39,023,105-39,023,110 gives the same sequence; the position shown is the placement nearest the transcript's 3' end. VCF-style (leftmost placement, unchanged base first): chr2-39023104-TACA-T. GRCh37 (hg19) VCF-style: chr2-39250245-TACA-T.
Other names: c.1321_1323del (NM_005633.3); c.1297TGT[1], p.Cys434del (NM_001382394.1); c.1318TGT[1], p.Cys441del (NM_001382395.1); c.1318_1320TGT[1], p.Cys441del (NM_005633.3); short protein forms C434del, C441del.
Identifiers: ClinVar variation 4538491 (VCV004538491.1).
Genomic context (GRCh38, chr2:39,023,104, plus strand): 5'-ATATGTGTCTCTCATGTTTGGCTCCTACACGTGTAAGAGTTCCTTCCATTATAAATTCAT[TACA>T]ACACTGTCCAATGTCTTTTCCCTCCCAACCATCAATATTCTTCTGAATCTCGTTCATCTT-3'